The following is an entry in ClinVar:

NM_001205293.3(CACNA1E):c.2756G>A (p.Arg919Gln)

Gene: CACNA1E (calcium voltage-gated channel subunit alpha1 E; plus strand). Cytogenetic location: 1q25.3.
Variant type: single nucleotide variant.
Coding change: c.2756G>A on transcript NM_001205293.3 (MANE Select); coding-DNA position 2756, G replaced by A.
Protein change: p.Arg919Gln; replaces arginine 919 with glutamine.
Molecular consequence: missense variant.
Genome position (GRCh38, 1-based): chr1:181,732,842, G>A. VCF-style: chr1-181732842-G-A. GRCh37 (hg19) VCF-style: chr1-181701978-G-A.
Other names: c.2756G>A, p.Arg919Gln (NM_000721.4); c.2699G>A, p.Arg900Gln (NM_001205294.2); short protein forms R900Q, R919Q.
Identifiers: ClinVar variation 1179829 (VCV001179829.40), dbSNP rs201406071, ClinGen allele CA1275389.
Genomic context (GRCh38, chr1:181,732,842, plus strand): 5'-CAGGGGGAGGAGAGGCTGTGGTGACCTTTGAGGACCGGGCCAGGCACAGGCAGAGCCAAC[G>A]GCGCAGCCGGCATCGCCGCGTCAGGACAGAAGGCAAGGAGTCCTCTTCAGCCTCCCGGAG-3'
Protein context (NP_001192222.1, residues 909-929): EDRARHRQSQ[Arg919Gln]RSRHRRVRTE

ClinVar aggregate classification (germline): Benign/Likely benign. Review status: criteria provided, multiple submitters, no conflicts (2 of 4 stars). 6 submissions from 6 submitters: Benign (2); Likely benign (3). 1 of the submissions does not count toward it. Last evaluated 2026-04-01.

Conditions:
CACNA1E-related disorder. Also called: CACNA1E-related condition.
Developmental and epileptic encephalopathy, 69. Also called: EPILEPTIC ENCEPHALOPATHY, EARLY INFANTILE, 69. Identifiers: MedGen C4748988, MONDO:0032657, OMIM 618285.

Allele frequency attached by ClinVar (database versions not stated): 1000 Genomes Project 30x 0.00016; 1000 Genomes Project 0.00020; TOPMed 0.00067; ESP Exome Variant Server 0.00079; gnomAD exomes 0.00102 and 0.00116; gnomAD 0.00107 and 0.00113; ExAC 0.00115.
gnomAD v4.1: 1,636 of 1,613,532 alleles (0.1%); highest among the groups gnomAD compares: Non-Finnish European, 0.11%; 2 homozygotes.

Submissions (6):

CeGaT Center for Human Genetics Tuebingen
Classification: Likely benign. Last evaluated: 2026-04-01. Review status: criteria provided, single submitter. Criteria: CeGaT Center For Human Genetics Tuebingen Variant Classification Criteria Version 2. Collection method: clinical testing. Allele origin: germline. Affected: yes. Observed: 11 variant alleles.
Comment: CACNA1E: BS1

Labcorp Genetics (formerly Invitae), Labcorp
Classification: Benign. Last evaluated: 2026-01-28. Review status: criteria provided, single submitter. Criteria: Invitae Variant Classification Sherloc (09022015). Collection method: clinical testing. Allele origin: germline.

Blueprint Genetics
Classification: Likely benign. Last evaluated: 2024-11-21. Review status: criteria provided, single submitter. Criteria: ACMG Guidelines, 2015. Collection method: clinical testing. Allele origin: germline.

Genome-Nilou Lab
Classification: Likely benign for Developmental and epileptic encephalopathy, 69. Last evaluated: 2023-04-11. Review status: criteria provided, single submitter. Criteria: ACMG Guidelines, 2015. Collection method: clinical testing. Allele origin: germline. Affected: no.

GeneDx
Classification: Benign. Last evaluated: 2021-05-05. Review status: criteria provided, single submitter. Criteria: GeneDx Variant Classification Process June 2021. Collection method: clinical testing. Allele origin: germline. Affected: yes.

PreventionGenetics, part of Exact Sciences
Classification: Likely benign for CACNA1E-related condition. Last evaluated: 2019-12-06. Review status: no assertion criteria provided. Collection method: clinical testing. Allele origin: germline. Not counted in ClinVar's aggregate classification.
Comment: This variant is classified as likely benign based on ACMG/AMP sequence variant interpretation guidelines (Richards et al. 2015 PMID: 25741868, with internal and published modifications).